The following is an entry in ClinVar:

ClinVar aggregate classification (germline): Pathogenic. Review status: criteria provided, multiple submitters, no conflicts (2 of 4 stars). 3 submissions from 3 submitters: Pathogenic (3). Last evaluated 2025-08-18.

Conditions:
Multiple acyl-CoA dehydrogenase deficiency (MADD). Also called: ETHYLMALONIC-ADIPICACIDURIA; GA II; Glutaric Acidemia type 2; Glutaric acidemia type II; GA 2; Glutaric aciduria, type 2. Identifiers: Orphanet 26791, MedGen C0268596, MONDO:0009282, OMIM 231680.

Submissions (3):

Mayo Clinic Laboratories, Mayo Clinic
Classification: Pathogenic. Last evaluated: 2025-08-18. Review status: criteria provided, single submitter. Criteria: ACMG Guidelines, 2015. Collection method: clinical testing. Allele origin: germline. Observed: 1 variant allele.
Comment: PP4, PM2_supporting, PM3_supporting, PVS1

Labcorp Genetics (formerly Invitae), Labcorp
Classification: Pathogenic for Multiple acyl-CoA dehydrogenase deficiency. Last evaluated: 2025-01-11. Review status: criteria provided, single submitter. Criteria: Invitae Variant Classification Sherloc (09022015). Collection method: clinical testing. Allele origin: germline.
Comment: This sequence change creates a premature translational stop signal (p.Glu144Aspfs*5) in the ETFDH gene. It is expected to result in an absent or disrupted protein product. Loss-of-function variants in ETFDH are known to be pathogenic (PMID: 16510302, 23785301). This variant is not present in population databases (gnomAD no frequency). This premature translational stop signal has been observed in individual(s) with glutaric acedemia type II (PMID: 7757062). ClinVar contains an entry for this variant (Variation ID: 1073007). For these reasons, this variant has been classified as Pathogenic.

Fulgent Genetics
Classification: Pathogenic for Multiple acyl-CoA dehydrogenase deficiency. Last evaluated: 2024-03-08. Review status: criteria provided, single submitter. Criteria: ACMG Guidelines, 2015. Collection method: clinical testing. Allele origin: germline.

Literature cited by the submitters: PubMed 7757062 (cited by Mayo Clinic Laboratories, Mayo Clinic and Labcorp Genetics (formerly Invitae), Labcorp); PubMed 16510302 (cited by Labcorp Genetics (formerly Invitae), Labcorp); PubMed 23785301 (cited by Labcorp Genetics (formerly Invitae), Labcorp).

NM_004453.4(ETFDH):c.432_438del (p.Glu144fs)

Gene: ETFDH (electron transfer flavoprotein dehydrogenase; plus strand). Cytogenetic location: 4q32.1.
Variant type: Deletion.
Coding change: c.432_438del on transcript NM_004453.4 (MANE Select); coding-DNA positions 432 to 438, 7 bases deleted (AGACAGA; older notation c.432_438delAGACAGA).
Protein change: p.Glu144fs; shifts the reading frame from glutamic acid 144.
Molecular consequence: frameshift variant.
Genome position (GRCh38, 1-based): chr4:158,684,618-158,684,624, AGACAGA deleted; deleting any 7 consecutive bases within chr4:158,684,613-158,684,624 gives the same sequence; the c. name uses the placement nearest the transcript's 3' end. VCF-style (leftmost placement, unchanged base first): chr4-158684612-AACAGAAG-A. GRCh37 (hg19) VCF-style: chr4-159605764-AACAGAAG-A.
Other names: p.Glu144Aspfs*5; c.291_297del, p.Glu97fs (NM_001281737.2); c.249_255del, p.Glu83fs (NM_001281738.1); short protein forms E144fs, E83fs, E97fs.
Identifiers: ClinVar variation 1073007 (VCV001073007.11), dbSNP rs1231802914, ClinGen allele CA789754746.